The following is an entry in ClinVar:

ClinVar aggregate classification (germline): Uncertain significance (1 of 4 stars; one submission).

Conditions:
IRF2BPL-related disorder. Also called: IRF2BPL-related condition. Identifiers: MedGen CN381093.

Submission:

PreventionGenetics, part of Exact Sciences
Classification: Uncertain significance for IRF2BPL-related condition. Last evaluated: 2024-12-24. Review status: criteria provided, single submitter. Criteria: ACMG Guidelines, 2015. Collection method: clinical testing. Allele origin: germline.
Comment: The IRF2BPL c.1864T>C variant is predicted to result in the amino acid substitution p.Ser622Pro. To our knowledge, this variant has not been reported in the literature or in a large population database (gnomAD), indicating this variant is rare. At this time, the clinical significance of this variant is uncertain due to the absence of conclusive functional and genetic evidence.

NM_024496.4(IRF2BPL):c.1864T>C (p.Ser622Pro)

Gene: IRF2BPL (interferon regulatory factor 2 binding protein like; minus strand). Cytogenetic location: 14q24.3.
Variant type: single nucleotide variant.
Coding change: c.1864T>C on transcript NM_024496.4 (MANE Select); coding-DNA position 1864, T replaced by C.
Protein change: p.Ser622Pro; replaces serine 622 with proline.
Molecular consequence: missense variant.
Genome position (GRCh38, 1-based): chr14:77,025,929, A>G on the plus strand (T>C on the coding strand, the complement: IRF2BPL is on the minus strand). VCF-style: chr14-77025929-A-G. GRCh37 (hg19) VCF-style: chr14-77492272-A-G.
Other names: short protein forms S622P.
Identifiers: ClinVar variation 4999309 (VCV004999309.1).